The following is an entry in ClinVar:

ClinVar aggregate classification (germline): Uncertain significance (1 of 4 stars; one submission).

Conditions:
FGFR3-related chondrodysplasia. Identifiers: Orphanet 93420, MedGen C5681604, MONDO:0019685.

Submission:

Genomenon, Inc
Classification: Uncertain significance for FGFR3-related chondrodysplasia. Last evaluated: 2026-06-23. Review status: criteria provided, single submitter. Criteria: Genomenon Sequence Variant Interpretation Standards - Updated. Collection method: curation. Allele origin: germline. Affected: no.
Comment: FGFR3 p.Pro260Arg (c.779C>G) is a missense variant that changes the amino acid at codon 260 from Proline to Arginine. This variant has been reported in the published literature (PMID:39586789). It is absent or not present at a significant frequency in gnomAD. In silico models predict that this variant is possibly or probably damaging. In conclusion, we classify FGFR3 p.Pro260Arg (c.779C>G) as a variant of uncertain significance.

Literature cited by the submitters: PubMed 39586789.

NM_000142.5(FGFR3):c.779C>G (p.Pro260Arg)

Gene: FGFR3 (fibroblast growth factor receptor 3; plus strand). Cytogenetic location: 4p16.3.
Variant type: single nucleotide variant.
Coding change: c.779C>G on transcript NM_000142.5 (MANE Select); coding-DNA position 779, C replaced by G.
Protein change: p.Pro260Arg; replaces proline 260 with arginine.
Molecular consequence: missense variant. On other transcripts: non-coding transcript variant (1).
Genome position (GRCh38, 1-based): chr4:1,801,874, C>G. VCF-style: chr4-1801874-C-G. GRCh37 (hg19) VCF-style: chr4-1803601-C-G.
Other names: c.779C>G, p.Pro260Arg (NM_001354810.2, NM_022965.4, NM_001163213.2 and 1 more transcripts); short protein forms P260R.
Identifiers: ClinVar variation 4857828 (VCV004857828.1).